The following is an entry in ClinVar:

NM_001378454.1(ALMS1):c.6166A>G (p.Ile2056Val)

Gene: ALMS1 (ALMS1 centrosome and basal body associated protein; plus strand). Cytogenetic location: 2p13.1.
Variant type: single nucleotide variant.
Coding change: c.6166A>G on transcript NM_001378454.1 (MANE Select); coding-DNA position 6166, A replaced by G.
Protein change: p.Ile2056Val; replaces isoleucine 2056 with valine.
Molecular consequence: missense variant.
Genome position (GRCh38, 1-based): chr2:73,452,693, A>G. VCF-style: chr2-73452693-A-G. GRCh37 (hg19) VCF-style: chr2-73679820-A-G.
Other names: c.6169A>G, p.Ile2057Val (NM_015120.4); short protein forms I2056V, I2057V.
Identifiers: ClinVar variation 1687650 (VCV001687650.4), dbSNP rs747108462, ClinGen allele CA1714018.
Genomic context (GRCh38, chr2:73,452,693, plus strand): 5'-CAGAAGACTCCATCCCAGACAGCTTTTCATAGTTCCTATTCTCAAACAGTAAAGCCCAAT[A>G]TTTTATTTCAACAGCAGTTGCCAGATAGAGATCAAAGTAAAGGTATTCTAAAGATTTCAG-3'
Protein context (NP_001365383.1, residues 2046-2066): SSYSQTVKPN[Ile2056Val]LFQQQLPDRD

ClinVar aggregate classification (germline): Uncertain significance. Review status: criteria provided, multiple submitters, no conflicts (2 of 4 stars). 2 submissions from 2 submitters: Uncertain significance (2). Last evaluated 2022-05-27.

Conditions:
Alstrom syndrome (ALMS). Identifiers: Orphanet 64, MedGen C0268425, MONDO:0008763, OMIM 203800.

Allele frequency attached by ClinVar (database versions not stated): gnomAD 0.00001; gnomAD exomes 0.00002 and 0.00004; TOPMed 0.00002; ExAC 0.00003.
gnomAD v4.1: 13 of 1,613,748 alleles (0.00081%); highest among the groups gnomAD compares: Admixed American, 0.018%; no homozygotes.

Submissions (2):

GeneDx
Classification: Uncertain significance. Last evaluated: 2022-05-27. Review status: criteria provided, single submitter. Criteria: GeneDx Variant Classification Process June 2021. Collection method: clinical testing. Allele origin: germline. Affected: yes.
Comment: Has not been previously published as pathogenic or benign to our knowledge; In silico analysis supports that this missense variant does not alter protein structure/function

Labcorp Genetics (formerly Invitae), Labcorp
Classification: Uncertain significance for Alstrom syndrome. Last evaluated: 2022-05-01. Review status: criteria provided, single submitter. Criteria: Invitae Variant Classification Sherloc (09022015). Collection method: clinical testing. Allele origin: germline.
Comment: This sequence change replaces isoleucine, which is neutral and non-polar, with valine, which is neutral and non-polar, at codon 2057 of the ALMS1 protein (p.Ile2057Val). This variant is present in population databases (rs747108462, gnomAD 0.03%). This variant has not been reported in the literature in individuals affected with ALMS1-related conditions. In summary, the available evidence is currently insufficient to determine the role of this variant in disease. Therefore, it has been classified as a Variant of Uncertain Significance.